The following is an entry in ClinVar:

ClinVar aggregate classification (germline): Benign. Review status: criteria provided, multiple submitters, no conflicts (2 of 4 stars). 8 submissions from 8 submitters: Benign (5). 3 of the submissions do not count toward it. Last evaluated 2026-02-03.

Conditions:
Inborn genetic diseases. Identifiers: MedGen C0950123, MeSH D030342.
Brunner syndrome (BRNRS). Identifiers: Orphanet 3057, MedGen C0796275, MONDO:0010379, OMIM 300615.

Allele frequency attached by ClinVar (database versions not stated): 1000 Genomes Project 0.55179; gnomAD exomes 0.62109; TOPMed 0.65086; gnomAD 0.65298; 1000 Genomes Project 30x 0.55921; ExAC 0.62597; ESP Exome Variant Server 0.67320.

Submissions (8):

Labcorp Genetics (formerly Invitae), Labcorp
Classification: Benign for Brunner syndrome. Last evaluated: 2026-02-03. Review status: criteria provided, single submitter. Criteria: Invitae Variant Classification Sherloc (09022015). Collection method: clinical testing. Allele origin: germline.

Genome-Nilou Lab
Classification: Benign for Brunner syndrome. Last evaluated: 2021-09-05. Review status: criteria provided, single submitter. Criteria: ACMG Guidelines, 2015. Collection method: clinical testing. Allele origin: germline. Affected: no.

Eurofins Ntd Llc (ga)
Classification: Benign. Last evaluated: 2015-07-16. Review status: criteria provided, single submitter. Criteria: EGL Classification Definitions 2015. Collection method: clinical testing. Allele origin: germline. Observed: 9 variant alleles, 1 homozygote, 8 hemizygotes.

Ambry Genetics
Classification: Benign for Inborn genetic diseases. Last evaluated: 2015-03-22. Review status: criteria provided, single submitter. Criteria: Ambry Variant Classification Scheme 2023. Collection method: clinical testing. Allele origin: germline.

Breakthrough Genomics
Classification: Benign. Review status: criteria provided, single submitter. Criteria: ACMG Guidelines, 2015. Collection method: not provided. Allele origin: germline. Inheritance: X-linked inheritance. Affected: yes.

Diagnostic Laboratory, Department of Genetics, University Medical Center Groningen
Classification: Benign. Review status: no assertion criteria provided. Collection method: clinical testing. Allele origin: germline. Affected: yes. Study: VKGL Data-share Consensus. Not counted in ClinVar's aggregate classification.

Genetic Services Laboratory, University of Chicago
Classification: Likely benign for AllHighlyPenetrant. Review status: no assertion criteria provided. Collection method: clinical testing. Allele origin: germline. Inheritance: X-linked inheritance. Not counted in ClinVar's aggregate classification.
Comment: Likely benign based on allele frequency in 1000 Genomes Project or ESP global frequency and its presence in a patient with a rare or unrelated disease phenotype. NOT Sanger confirmed.

Joint Genome Diagnostic Labs from Nijmegen and Maastricht, Radboudumc and MUMC+
Classification: Benign. Review status: no assertion criteria provided. Collection method: clinical testing. Allele origin: germline. Affected: yes. Study: VKGL Data-share Consensus. Not counted in ClinVar's aggregate classification.

NM_000240.4(MAOA):c.1410T>C (p.Asp470=)

Gene: MAOA (monoamine oxidase A; plus strand). Cytogenetic location: Xp11.3.
Variant type: single nucleotide variant.
Coding change: c.1410T>C on transcript NM_000240.4 (MANE Select); coding-DNA position 1410, T replaced by C.
Protein change: p.Asp470=; no amino-acid change (aspartic acid 470 retained).
Molecular consequence: synonymous variant.
Genome position (GRCh38, 1-based): chrX:43,744,144, T>C. VCF-style: chrX-43744144-T-C. GRCh37 (hg19) VCF-style: chrX-43603391-T-C.
Other names: c.1011T>C, p.Asp337= (NM_001270458.2).
Identifiers: ClinVar variation 92663 (VCV000092663.30), dbSNP rs1137070, ClinGen allele CA145914.